The following is an entry in ClinVar:

ClinVar aggregate classification (germline): Uncertain significance. Review status: reviewed by expert panel (3 of 4 stars). 2 submissions from 2 submitters: Uncertain significance (1). 1 of the submissions does not count toward it. Last evaluated 2025-04-23.

Conditions:
Monogenic diabetes. Identifiers: Orphanet 183625, MedGen C3888631, MONDO:0015967.

Submissions (2):

ClinGen Monogenic Diabetes Variant Curation Expert Panel
Classification: Uncertain significance for Monogenic diabetes. Last evaluated: 2025-04-23. Review status: reviewed by expert panel. Criteria: ClinGen Diabetes ACMG Specifications HNF1A V2.1.0. Collection method: curation. Allele origin: germline. Inheritance: Autosomal dominant inheritance.
Comment: The c.528G>C variant in the HNF1 homeobox A gene, HNF1A, causes an amino acid change of glutamine to histidine at codon 176 (p.(Gln176His)) of NM_000545.8. This variant is predicted to be deleterious by computational evidence, with a REVEL score of 0.718, which is greater than the MDEP VCEP threshold of 0.70 (PP3). This variant is absent from gnomAD v2.1.1 (PM2_Supporting). Another missense variant, c.527A>C p.Gln176Pro, has been classified as a VUS by the ClinGen MDEP; therefore, PM5 will not be applied. In summary, c.528G>C meets the criteria to be classified as a variant of uncertain significance for monogenic diabetes. ACMG/AMP criteria applied, as specified by the ClinGen MDEP (specification version 2.1.0, approved 8/11/2023): PP4_Moderate, PP3, PM2_Supporting.

GeneDx
Classification: Uncertain significance. Last evaluated: 2024-03-04. Review status: criteria provided, single submitter. Criteria: GeneDx Variant Classification Process June 2021. Collection method: clinical testing. Allele origin: germline. Affected: yes. Not counted in ClinVar's aggregate classification.
Comment: Not observed at significant frequency in large population cohorts (gnomAD); In silico analysis supports that this missense variant has a deleterious effect on protein structure/function; Has not been previously published as pathogenic or benign to our knowledge

NM_000545.8(HNF1A):c.528G>C (p.Gln176His)

Gene: HNF1A (HNF1 homeobox A; plus strand). Cytogenetic location: 12q24.31.
Variant type: single nucleotide variant.
Coding change: c.528G>C on transcript NM_000545.8 (MANE Select); coding-DNA position 528, G replaced by C.
Protein change: p.Gln176His; replaces glutamine 176 with histidine.
Molecular consequence: missense variant.
Genome position (GRCh38, 1-based): chr12:120,993,521, G>C. VCF-style: chr12-120993521-G-C. GRCh37 (hg19) VCF-style: chr12-121431324-G-C.
Other names: NM_001306179.2:c.528G>C; c.528G>C, p.Gln176His (NM_001306179.2, NM_001406915.1); short protein forms Q176H.
Identifiers: ClinVar variation 3369823 (VCV003369823.1).